The following is an entry in ClinVar:

ClinVar aggregate classification (germline): Conflicting classifications of pathogenicity. Review status: criteria provided, conflicting classifications (1 of 4 stars). 7 submissions from 7 submitters: Likely pathogenic (3); Uncertain significance (4). Last evaluated 2026-04-07.

Conditions:
Hereditary cancer-predisposing syndrome. Also called: Neoplastic Syndromes, Hereditary; Hereditary Cancer Syndrome; Tumor predisposition; Hereditary neoplastic syndrome. Identifiers: Orphanet 140162, MedGen C0027672, MeSH D009386, MONDO:0015356.
Familial cancer of breast. Also called: hereditary breast carcinoma; BREAST CANCER, FAMILIAL; Hereditary breast cancer. Identifiers: Orphanet 227535, MedGen C0346153, MONDO:0016419, OMIM 114480. Disease mechanism: loss of function.
Fanconi anemia complementation group J. Also called: BRIP1-Related Fanconi Anemia. Identifiers: Orphanet 84, MedGen C1836860, MONDO:0012187, OMIM 609054.

Submissions (7):

Ambry Genetics
Classification: Uncertain significance for Hereditary cancer-predisposing syndrome. Last evaluated: 2026-04-07. Review status: criteria provided, single submitter. Criteria: Ambry Variant Classification Scheme 2023. Collection method: clinical testing. Allele origin: germline.
Comment: The c.3401delC variant, located in coding exon 19 of the BRIP1 gene, results from a deletion of one nucleotide at nucleotide position 3401, causing a translational frameshift with a predicted alternate stop codon (p.P1134Lfs*16). This alteration occurs at the 3' terminus of the gene, is not expected to trigger nonsense-mediated mRNAdecay, and impacts the last 100 amino acids of the protein. The exact functional effect of this alteration is unknown. Based on the available evidence, the clinical significance of this variant remains unclear.

Labcorp Genetics (formerly Invitae), Labcorp
Classification: Uncertain significance for Familial cancer of breast; Fanconi anemia complementation group J. Last evaluated: 2025-07-17. Review status: criteria provided, single submitter. Criteria: Invitae Variant Classification Sherloc (09022015). Collection method: clinical testing. Allele origin: germline.
Comment: This sequence change creates a premature translational stop signal (p.Pro1134Leufs*16) in the BRIP1 gene. While this is not anticipated to result in nonsense mediated decay, it is expected to disrupt the last 116 amino acid(s) of the BRIP1 protein. This variant is present in population databases (rs756853672, gnomAD 0.002%). This premature translational stop signal has been observed in individual(s) with breast, ovarian and/or renal cancer (PMID: 16280053, 20616022, 26921362, 35441217). ClinVar contains an entry for this variant (Variation ID: 220899). In summary, the available evidence is currently insufficient to determine the role of this variant in disease. Therefore, it has been classified as a Variant of Uncertain Significance.

Color Diagnostics, LLC DBA Color Health
Classification: Likely pathogenic for Hereditary cancer-predisposing syndrome. Last evaluated: 2023-04-04. Review status: criteria provided, single submitter. Criteria: ACMG Guidelines, 2015. Collection method: clinical testing. Allele origin: germline.
Comment: This variant deletes 1 nucleotide in exon 20 of the BRIP1 gene, creating a frameshift and premature translation stop signal in the last coding exon. The mutant transcript is expected to escape nonsense-mediated decay and expressed as a truncated protein that lacks the last 100 amino acids of the protein. The truncated protein is expected to disrupt the TopBP1 binding domain (a.a. 1106-1178) and acetylation site (p.Lys1249) in the C-terminus, which have been reported to play an important role in DNA replication-stress response and maintaining genomic stability (PMID: 20159562, 21127055, 22792074). This variant has been reported in individuals with breast or ovarian cancer (PMID: 16280053, 20616022), renal cell carcinoma (PMID: 35441217), and in an unaffected control subject (PMID: 26315354). This variant has been identified in 3/250050 chromosomes in the general population by the Genome Aggregation Database (gnomAD). Loss of BRIP1 function is a known mechanism of disease. Based on the available evidence, this variant is classified as Likely Pathogenic.

Department of Pathology and Laboratory Medicine, Sinai Health System
Classification: Likely pathogenic for Familial cancer of breast; Fanconi anemia complementation group J. Last evaluated: 2022-04-27. Review status: criteria provided, single submitter. Criteria: ACMG Guidelines, 2015. Collection method: clinical testing. Allele origin: germline. Affected: no.

Victorian Clinical Genetics Services, Murdoch Childrens Research Institute
Classification: Uncertain significance for Fanconi anemia complementation group J. Last evaluated: 2022-02-02. Review status: criteria provided, single submitter. Criteria: ACMG Guidelines, 2015. Collection method: clinical testing. Allele origin: germline.
Comment: Based on the classification scheme VCGS_Germline_v1.3.4, this variant is classified as VUS-3B. Following criteria are met: 0102 - Loss of function is a known mechanism of disease in this gene and is associated with Fanconi anemia, complementation group J (MIM#609054). This gene is also implicated in susceptibility to early-onset breast cancer (MIM#114480). (I) 0108 - This gene is associated with both recessive and dominant disease. Fanconi anemia, complementation group J is inherited in an autosomal recessive pattern, while susceptibility to breast cancer follows an autosomal dominant inheritance pattern (OMIM). (I) 0205 - Variant is predicted to result in a truncated protein (premature termination codon is NOT located at least 54 nucleotides upstream of the final exon-exon junction) with less than 1/3 of the protein sequence affected. (SP) 0251 - This variant is heterozygous. (I) 0304 - Variant is present in gnomAD (v2) <0.01 for a recessive condition (3 heterozygotes, 0 homozygotes). (SP) 0604 - Variant is not located in an established domain, motif, hotspot or informative constraint region. (I) 0710 - Another truncating variant comparable to the one identified in this case has inconclusive previous evidence for pathogenicity. A truncating variant downstream of this one has been described as both likely pathogenic and VUS in ClinVar. (I) 0809 - Previous evidence of pathogenicity for this variant is inconclusive. This variant has been described as likely pathogenic and VUS in ClinVar. This variant has also been identified in both case and control individuals in inherited cancer cohorts (PMID: 16280053; 26921362). (I) 1007 - No published functional evidence has been identified for this variant. (I) 1208 - Inheritance information for this variant is not currently available in this individual. (I) Legend: (SP) - Supporting pathogenic, (I) - Information, (SB) - Supporting benign

GeneDx
Classification: Likely pathogenic. Last evaluated: 2020-11-13. Review status: criteria provided, single submitter. Criteria: GeneDx Variant Classification Process June 2021. Collection method: clinical testing. Allele origin: germline. Affected: yes.
Comment: Frameshift variant predicted to result in protein truncation as the last 116 amino acids are lost and replaced with 15 incorrect amino acids, disrupting the critical TOPBP1 interaction domain (Gong 2010, Leung 2011); Observed in individuals with a personal history of breast or ovarian cancer (Lewis 2005, Walsh 2010, Easton 2016); Not observed at a significant frequency in large population cohorts (Lek 2016); This variant is associated with the following publications: (PMID: 26315354, 20616022, 16280053, 26921362, 29922827, 19763819)

Eurofins Ntd Llc (ga)
Classification: Uncertain significance. Last evaluated: 2018-04-13. Review status: criteria provided, single submitter. Criteria: EGL ClinVar v180209 classification definitions. Collection method: clinical testing. Allele origin: germline. Observed: 1 variant allele, 1 heterozygote.

Literature cited by the submitters: PubMed 16280053 (cited by 4 submitters); PubMed 20616022 (cited by Labcorp Genetics (formerly Invitae), Labcorp and Color Diagnostics, LLC DBA Color Health); PubMed 26921362 (cited by 3 submitters); PubMed 35441217 (cited by Labcorp Genetics (formerly Invitae), Labcorp and Color Diagnostics, LLC DBA Color Health); PubMed 20159562 (cited by Color Diagnostics, LLC DBA Color Health and Department of Pathology and Laboratory Medicine, Sinai Health System); PubMed 21127055 (cited by Color Diagnostics, LLC DBA Color Health and Department of Pathology and Laboratory Medicine, Sinai Health System); PubMed 22792074 (cited by Color Diagnostics, LLC DBA Color Health); PubMed 26315354 (cited by Color Diagnostics, LLC DBA Color Health and Department of Pathology and Laboratory Medicine, Sinai Health System).

NM_032043.3(BRIP1):c.3401del (p.Pro1134fs)

Gene: BRIP1 (BRCA1 interacting DNA helicase 1; minus strand). Cytogenetic location: 17q23.2.
Variant type: Deletion.
Coding change: c.3401del on transcript NM_032043.3 (MANE Select); coding-DNA position 3401, one base deleted (C; older notation c.3401delC).
Protein change: p.Pro1134fs; shifts the reading frame from proline 1134.
Molecular consequence: frameshift variant.
Genome position (GRCh38, 1-based): chr17:61,683,645, G deleted on the plus strand (C on the coding strand, the reverse complement: BRIP1 is on the minus strand); the first of 2 consecutive G bases (chr17:61,683,645-61,683,646); deleting either gives the same sequence. VCF-style (leftmost placement, unchanged base first): chr17-61683644-AG-A. GRCh37 (hg19) VCF-style: chr17-59761005-AG-A.
Other names: c.3401delC (NM_032043.2); short protein forms P1134fs.
Identifiers: ClinVar variation 220899 (VCV000220899.31), dbSNP rs756853672, ClinGen allele CA349172.
Genomic context (GRCh38, chr17:61,683,644, plus strand): 5'-TCTATCAGTTTCAGCTAGGTCATTTTTTTCTTCATCTGTATCTTCAGGATCATAAAGTTC[AG>A]GTGTAAAATAGATAGATTCATCTTCTGCTTCTGTTTCAAAATCTCTATTTGAAGTGGACT-3'